The following is an entry in ClinVar:

ClinVar aggregate classification (germline): Uncertain significance. Review status: criteria provided, multiple submitters, no conflicts (2 of 4 stars). 2 submissions from 2 submitters: Uncertain significance (2). Last evaluated 2022-10-26.

Conditions:
Inborn genetic diseases. Identifiers: MedGen C0950123, MeSH D030342.
Spastic ataxia 2. Also called: Ataxia, spastic, 2, autosomal recessive. Identifiers: Orphanet 397946, MedGen C1969796, MONDO:0012651, OMIM 611302.

Allele frequency attached by ClinVar (database versions not stated): ExAC 0.00002; gnomAD 0.00002; gnomAD exomes 0.00002.
gnomAD v4.1: 27 of 1,611,714 alleles (0.0017%); highest among the groups gnomAD compares: Middle Eastern, 0.016%; no homozygotes.

Submissions (2):

Ambry Genetics
Classification: Uncertain significance for Inborn genetic diseases. Last evaluated: 2022-10-26. Review status: criteria provided, single submitter. Criteria: Ambry Variant Classification Scheme 2023. Collection method: clinical testing. Allele origin: germline.

Labcorp Genetics (formerly Invitae), Labcorp
Classification: Uncertain significance for Spastic ataxia 2. Last evaluated: 2022-06-07. Review status: criteria provided, single submitter. Criteria: Invitae Variant Classification Sherloc (09022015). Collection method: clinical testing. Allele origin: germline.
Comment: This sequence change replaces arginine, which is basic and polar, with cysteine, which is neutral and slightly polar, at codon 740 of the KIF1C protein (p.Arg740Cys). This variant is present in population databases (rs752781012, gnomAD 0.007%). This variant has not been reported in the literature in individuals affected with KIF1C-related conditions. Algorithms developed to predict the effect of missense changes on protein structure and function are either unavailable or do not agree on the potential impact of this missense change (SIFT: "Deleterious"; PolyPhen-2: "Benign"; Align-GVGD: "Class C0"). In summary, the available evidence is currently insufficient to determine the role of this variant in disease. Therefore, it has been classified as a Variant of Uncertain Significance.

NM_006612.6(KIF1C):c.2218C>T (p.Arg740Cys)

Gene: KIF1C (kinesin family member 1C; plus strand). Cytogenetic location: 17p13.2.
Variant type: single nucleotide variant.
Coding change: c.2218C>T on transcript NM_006612.6 (MANE Select); coding-DNA position 2218, C replaced by T.
Protein change: p.Arg740Cys; replaces arginine 740 with cysteine.
Molecular consequence: missense variant.
Genome position (GRCh38, 1-based): chr17:5,022,299, C>T. VCF-style: chr17-5022299-C-T. GRCh37 (hg19) VCF-style: chr17-4925594-C-T.
Other names: c.2218C>T (NM_006612.5); short protein forms R740C.
Identifiers: ClinVar variation 2158304 (VCV002158304.2), dbSNP rs752781012, ClinGen allele CA8319243.